The following is an entry in ClinVar:

ClinVar aggregate classification (germline): Uncertain significance (1 of 4 stars; one submission).

gnomAD v4.1: 1 of 1,613,754 alleles (0.000062%); highest among the groups gnomAD compares: Admixed American, 0.0017%; no homozygotes.

Submission:

Labcorp Genetics (formerly Invitae), Labcorp
Classification: Uncertain significance. Last evaluated: 2024-12-31. Review status: criteria provided, single submitter. Criteria: Invitae Variant Classification Sherloc (09022015). Collection method: clinical testing. Allele origin: germline.
Comment: This sequence change replaces histidine, which is basic and polar, with glutamine, which is neutral and polar, at codon 1877 of the NOTCH3 protein (p.His1877Gln). This variant is not present in population databases (gnomAD no frequency). This variant has not been reported in the literature in individuals affected with NOTCH3-related conditions. Invitae Evidence Modeling of protein sequence and biophysical properties (such as structural, functional, and spatial information, amino acid conservation, physicochemical variation, residue mobility, and thermodynamic stability) indicates that this missense variant is not expected to disrupt NOTCH3 protein function with a negative predictive value of 95%. In summary, the available evidence is currently insufficient to determine the role of this variant in disease. Therefore, it has been classified as a Variant of Uncertain Significance.

NM_000435.3(NOTCH3):c.5631C>A (p.His1877Gln)

Gene: NOTCH3 (notch receptor 3; minus strand). Cytogenetic location: 19p13.12.
Variant type: single nucleotide variant.
Coding change: c.5631C>A on transcript NM_000435.3 (MANE Select); coding-DNA position 5631, C replaced by A.
Protein change: p.His1877Gln; replaces histidine 1877 with glutamine.
Molecular consequence: missense variant.
Genome position (GRCh38, 1-based): chr19:15,165,823, G>T on the plus strand (C>A on the coding strand, the complement: NOTCH3 is on the minus strand). VCF-style: chr19-15165823-G-T. GRCh37 (hg19) VCF-style: chr19-15276634-G-T.
Other names: short protein forms H1877Q.
Identifiers: ClinVar variation 3683848 (VCV003683848.2).